The following is an entry in ClinVar:

ClinVar aggregate classification (germline): Uncertain significance (1 of 4 stars; one submission).

Submission:

Labcorp Genetics (formerly Invitae), Labcorp
Classification: Uncertain significance. Last evaluated: 2024-11-29. Review status: criteria provided, single submitter. Criteria: Invitae Variant Classification Sherloc (09022015). Collection method: clinical testing. Allele origin: germline.
Comment: This sequence change affects codon 8 of the SPTA1 mRNA. It is a 'silent' change, meaning that it does not change the encoded amino acid sequence of the SPTA1 protein. It affects a nucleotide within the consensus splice site. This variant is present in population databases (rs377733228, gnomAD 0.003%). This variant has not been reported in the literature in individuals affected with SPTA1-related conditions. Algorithms developed to predict the effect of sequence changes on RNA splicing suggest that this variant is not likely to affect RNA splicing. In summary, the available evidence is currently insufficient to determine the role of this variant in disease. Therefore, it has been classified as a Variant of Uncertain Significance.

NM_003126.4(SPTA1):c.24C>T (p.Thr8=)

Gene: SPTA1 (spectrin alpha, erythrocytic 1; minus strand). Cytogenetic location: 1q23.1.
Variant type: single nucleotide variant.
Coding change: c.24C>T on transcript NM_003126.4 (MANE Select); coding-DNA position 24, C replaced by T.
Protein change: p.Thr8=; no amino-acid change (threonine 8 retained).
Molecular consequence: synonymous variant.
Genome position (GRCh38, 1-based): chr1:158,686,494, G>A on the plus strand (C>T on the coding strand, the complement: SPTA1 is on the minus strand). VCF-style: chr1-158686494-G-A. GRCh37 (hg19) VCF-style: chr1-158656284-G-A.
Identifiers: ClinVar variation 3604850 (VCV003604850.2).